The following is an entry in ClinVar:

NM_194454.3(KRIT1):c.1164del (p.Gly389fs)

Gene: KRIT1 (KRIT1 ankyrin repeat containing; minus strand). Cytogenetic location: 7q21.2.
Variant type: Deletion.
Coding change: c.1164del on transcript NM_194454.3 (MANE Select); coding-DNA position 1164, one base deleted (A; older notation c.1164delA).
Protein change: p.Gly389fs; shifts the reading frame from glycine 389.
Molecular consequence: frameshift variant.
Genome position (GRCh38, 1-based): chr7:92,225,810, T deleted on the plus strand (A on the coding strand, the reverse complement: KRIT1 is on the minus strand); the first of 2 consecutive T bases (chr7:92,225,810-92,225,811); deleting either gives the same sequence. VCF-style (leftmost placement, unchanged base first): chr7-92225809-CT-C. GRCh37 (hg19) VCF-style: chr7-91855123-CT-C.
Other names: c.1164del, p.Gly389fs (NM_001350684.1, NM_001350685.1, NM_001350686.1 and 26 more transcripts); c.1020del, p.Gly341fs (NM_001013406.2, NM_001350669.1, NM_001350670.1); c.450del, p.Gly151fs (NM_001350671.1); short protein forms G151fs, G341fs, G389fs.
Identifiers: ClinVar variation 3389913 (VCV003389913.14).
Genomic context (GRCh38, chr7:92,225,809, plus strand): 5'-TTGCAGCTTCTTCCCAGTTGTTTTGTTTGTTTTCTTCACAAATATTTAATGGAGATCTTC[CT>C]TGTTGGTCTGTTATATGCTAGAAATGTGGGTGGGGAGGGGGAAAAAAGGCATTACATATT-3'

ClinVar aggregate classification (germline): Pathogenic (1 of 4 stars; one submission).

Submission:

CeGaT Center for Human Genetics Tuebingen
Classification: Pathogenic. Last evaluated: 2024-10-01. Review status: criteria provided, single submitter. Criteria: CeGaT Center For Human Genetics Tuebingen Variant Classification Criteria Version 2. Collection method: clinical testing. Allele origin: germline. Affected: yes. Observed: 1 variant allele.
Comment: KRIT1: PVS1, PM2